The following is an entry in ClinVar:

NM_000152.5(GAA):c.974G>A (p.Ser325Asn)

Gene: GAA (alpha glucosidase; plus strand). Cytogenetic location: 17q25.3.
Variant type: single nucleotide variant.
Coding change: c.974G>A on transcript NM_000152.5 (MANE Select); coding-DNA position 974, G replaced by A.
Protein change: p.Ser325Asn; replaces serine 325 with asparagine.
Molecular consequence: missense variant.
Genome position (GRCh38, 1-based): chr17:80,108,308, G>A. VCF-style: chr17-80108308-G-A. GRCh37 (hg19) VCF-style: chr17-78082107-G-A.
Other names: c.974G>A, p.Ser325Asn (NM_001079803.3, NM_001079804.3); short protein forms S325N.
Identifiers: ClinVar variation 1427239 (VCV001427239.4), dbSNP rs905633601, ClinGen allele CA294891758.

ClinVar aggregate classification (germline): Uncertain significance (1 of 4 stars; one submission).

Conditions:
Glycogen storage disease, type II (IOPD). Also called: Aglucosidase alfa; Deficiency of alpha-glucosidase; Deficiency of lysosomal alpha-glucosidase; CARDIOMEGALIA GLYCOGENICA DIFFUSA; Glucosidase acid-1,4-alpha deficiency; Pompe Disease. Identifiers: Orphanet 365, MedGen C0017921, MONDO:0009290, OMIM 232300.

Allele frequency attached by ClinVar (database versions not stated): gnomAD exomes below 0.00001; TOPMed 0.00001.
gnomAD v4.1: 2 of 1,613,640 alleles (0.00012%); highest among the groups gnomAD compares: African/African-American, 0.0013%; no homozygotes.

Submission:

Labcorp Genetics (formerly Invitae), Labcorp
Classification: Uncertain significance for Glycogen storage disease, type II. Last evaluated: 2025-04-14. Review status: criteria provided, single submitter. Criteria: Invitae Variant Classification Sherloc (09022015). Collection method: clinical testing. Allele origin: germline.
Comment: This sequence change replaces serine, which is neutral and polar, with asparagine, which is neutral and polar, at codon 325 of the GAA protein (p.Ser325Asn). This variant is not present in population databases (gnomAD no frequency). This variant has not been reported in the literature in individuals affected with GAA-related conditions. ClinVar contains an entry for this variant (Variation ID: 1427239). Invitae Evidence Modeling of protein sequence and biophysical properties (such as structural, functional, and spatial information, amino acid conservation, physicochemical variation, residue mobility, and thermodynamic stability) indicates that this missense variant is not expected to disrupt GAA protein function with a negative predictive value of 95%. In summary, the available evidence is currently insufficient to determine the role of this variant in disease. Therefore, it has been classified as a Variant of Uncertain Significance.